The following is an entry in ClinVar:

ClinVar aggregate classification (germline): Pathogenic. Review status: criteria provided, multiple submitters, no conflicts (2 of 4 stars). 3 submissions from 3 submitters: Pathogenic (2). 1 of the submissions does not count toward it. Last evaluated 2026-01-05.

Conditions:
ABCA4-related disorder. Also called: ABCA4-related disorders; ABCA4-related condition. Identifiers: MedGen CN239167.

Allele frequency attached by ClinVar (database versions not stated): gnomAD 0.00001; TOPMed 0.00002.
gnomAD v4.1: 2 of 1,613,800 alleles (0.00012%); highest among the groups gnomAD compares: African/African-American, 0.0027%; no homozygotes.

Submissions (3):

Labcorp Genetics (formerly Invitae), Labcorp
Classification: Pathogenic. Last evaluated: 2026-01-05. Review status: criteria provided, single submitter. Criteria: Invitae Variant Classification Sherloc (09022015). Collection method: clinical testing. Allele origin: germline.
Comment: This sequence change replaces serine, which is neutral and polar, with proline, which is neutral and non-polar, at codon 100 of the ABCA4 protein (p.Ser100Pro). This variant is not present in population databases (gnomAD no frequency). This missense change has been observed in individual(s) with clinical features of ABCA4-related conditions (PMID: 11328725, 19074458; internal data). ClinVar contains an entry for this variant (Variation ID: 99185). Invitae Evidence Modeling of protein sequence and biophysical properties (such as structural, functional, and spatial information, amino acid conservation, physicochemical variation, residue mobility, and thermodynamic stability) indicates that this missense variant is expected to disrupt ABCA4 protein function with a positive predictive value of 95%. Experimental studies have shown that this missense change affects ABCA4 function (PMID: 24097981). For these reasons, this variant has been classified as Pathogenic.

Blueprint Genetics
Classification: Pathogenic for ABCA4-related disorders. Last evaluated: 2022-04-04. Review status: criteria provided, single submitter. Criteria: ACMG Guidelines, 2015. Collection method: clinical testing. Allele origin: germline. Affected: yes. Observed: 3 variant alleles.

Retina International
No classification provided. Review status: no classification provided. Collection method: not provided. Allele origin: not provided. Not counted in ClinVar's aggregate classification.

Literature cited by the submitters: PubMed 11328725 (cited by Labcorp Genetics (formerly Invitae), Labcorp); PubMed 19074458 (cited by Labcorp Genetics (formerly Invitae), Labcorp); PubMed 24097981 (cited by Labcorp Genetics (formerly Invitae), Labcorp).

NM_000350.3(ABCA4):c.298T>C (p.Ser100Pro)

Gene: ABCA4 (ATP binding cassette subfamily A member 4; minus strand). Cytogenetic location: 1p22.1.
Variant type: single nucleotide variant.
Coding change: c.298T>C on transcript NM_000350.3 (MANE Select); coding-DNA position 298, T replaced by C.
Protein change: p.Ser100Pro; replaces serine 100 with proline.
Molecular consequence: missense variant.
Genome position (GRCh38, 1-based): chr1:94,111,442, A>G on the plus strand (T>C on the coding strand, the complement: ABCA4 is on the minus strand). VCF-style: chr1-94111442-A-G. GRCh37 (hg19) VCF-style: chr1-94576998-A-G.
Other names: c.298T>C, p.Ser100Pro (NM_001425324.1); short protein forms S100P.
Identifiers: ClinVar variation 99185 (VCV000099185.13), dbSNP rs61748530, ClinGen allele CA227065.